The following is an entry in ClinVar:

NM_001110556.2(FLNA):c.5734T>G (p.Cys1912Gly)

Gene: FLNA (filamin A; minus strand). Cytogenetic location: Xq28.
Variant type: single nucleotide variant.
Coding change: c.5734T>G on transcript NM_001110556.2 (MANE Select); coding-DNA position 5734, T replaced by G.
Protein change: p.Cys1912Gly; replaces cysteine 1912 with glycine.
Molecular consequence: missense variant.
Genome position (GRCh38, 1-based): chrX:154,353,680, A>C on the plus strand (T>G on the coding strand, the complement: FLNA is on the minus strand). VCF-style: chrX-154353680-A-C. GRCh37 (hg19) VCF-style: chrX-153582048-A-C.
Other names: c.5734T>G (NM_001110556.1); c.5710T>G, p.Cys1904Gly (NM_001456.4); short protein forms C1912G, C1904G.
Identifiers: ClinVar variation 1749243 (VCV001749243.8), dbSNP rs1243188862, ClinGen allele CA415199775.

ClinVar aggregate classification (germline): Uncertain significance. Review status: criteria provided, multiple submitters, no conflicts (2 of 4 stars). 3 submissions from 3 submitters: Uncertain significance (2). 1 of the submissions does not count toward it. Last evaluated 2023-08-17.

Conditions:
Familial thoracic aortic aneurysm and aortic dissection (TAAD). Also called: Thoracic aortic aneurysms and dissections. Identifiers: Orphanet 91387, MedGen C4707243, MONDO:0019625.
FLNA-related disorder.
Melnick-Needles syndrome (MNS). Also called: MELNICK-NEEDLES OSTEODYSPLASTY; OSTEODYSPLASTY OF MELNICK AND NEEDLES; Melnick-Needles Syndrome (FLNA-MNS). Identifiers: Orphanet 2484, MedGen C0025237, MONDO:0010650, OMIM 309350.
Heterotopia, periventricular, X-linked dominant (PVNH1). Also called: PERIVENTRICULAR NODULAR HETEROTOPIA 1; X-linked periventricular heterotopia; HETEROTOPIA, PERIVENTRICULAR, 1; PERIVENTRICULAR NODULAR HETEROTOPIA 4. Identifiers: Orphanet 2149, Orphanet 82004, MedGen C1848213, MONDO:0010233, OMIM 300049.
Oto-palato-digital syndrome, type II (OPD2). Also called: OPD II SYNDROME; Otopalatodigital Syndrome, Type II; FACIOPALATOOSSEOUS SYNDROME; Otopalatodigital Syndrome Type 2 (FLNA-OPD2). Identifiers: Orphanet 669, Orphanet 90652, MedGen C1844696, MONDO:0010571, OMIM 304120.
Frontometaphyseal dysplasia (FMD1). Identifiers: Orphanet 1826, MedGen C0265293, MONDO:0015942.

Allele frequency attached by ClinVar (database versions not stated): gnomAD 0.00002; TOPMed 0.00006; gnomAD exomes below 0.00001.
gnomAD v4.1: 3 of 1,210,505 alleles (0.00025%); highest among the groups gnomAD compares: African/African-American, 0.0052%; no homozygotes.

Submissions (3):

Labcorp Genetics (formerly Invitae), Labcorp
Classification: Uncertain significance for Oto-palato-digital syndrome, type II; Heterotopia, periventricular, X-linked dominant; Frontometaphyseal dysplasia; Melnick-Needles syndrome. Last evaluated: 2023-08-17. Review status: criteria provided, single submitter. Criteria: Invitae Variant Classification Sherloc (09022015). Collection method: clinical testing. Allele origin: germline.
Comment: This variant is not present in population databases (gnomAD no frequency). In summary, the available evidence is currently insufficient to determine the role of this variant in disease. Therefore, it has been classified as a Variant of Uncertain Significance. Advanced modeling of protein sequence and biophysical properties (such as structural, functional, and spatial information, amino acid conservation, physicochemical variation, residue mobility, and thermodynamic stability) has been performed at Invitae for this missense variant, however the output from this modeling did not meet the statistical confidence thresholds required to predict the impact of this variant on FLNA protein function. ClinVar contains an entry for this variant (Variation ID: 1749243). This variant has not been reported in the literature in individuals affected with FLNA-related conditions. This sequence change replaces cysteine, which is neutral and slightly polar, with glycine, which is neutral and non-polar, at codon 1904 of the FLNA protein (p.Cys1904Gly).

Ambry Genetics
Classification: Uncertain significance for Familial thoracic aortic aneurysm and aortic dissection. Last evaluated: 2020-01-17. Review status: criteria provided, single submitter. Criteria: Ambry Variant Classification Scheme 2023. Collection method: clinical testing. Allele origin: germline.
Comment: The p.C1904G variant (also known as c.5710T>G), located in coding exon 34 of the FLNA gene, results from a T to G substitution at nucleotide position 5710. The cysteine at codon 1904 is replaced by glycine, an amino acid with highly dissimilar properties. This amino acid position is highly conserved in available vertebrate species. In addition, this alteration is predicted to be deleterious by in silico analysis. Since supporting evidence is limited at this time, the clinical significance of this alteration remains unclear.

PreventionGenetics, part of Exact Sciences
Classification: Uncertain significance for FLNA-related condition. Last evaluated: 2024-08-30. Review status: no assertion criteria provided. Collection method: clinical testing. Allele origin: germline. Not counted in ClinVar's aggregate classification.
Comment: The FLNA c.5734T>G variant is predicted to result in the amino acid substitution p.Cys1912Gly. To our knowledge, this variant has not been reported in the literature or in a large population database, indicating this variant is rare. At this time, the clinical significance of this variant is uncertain due to the absence of conclusive functional and genetic evidence.